The following is an entry in ClinVar:

ClinVar aggregate classification (germline): Conflicting classifications of pathogenicity. Review status: criteria provided, conflicting classifications (1 of 4 stars). 3 submissions from 3 submitters: Uncertain significance (1); Likely benign (1). 1 of the submissions does not count toward it. Last evaluated 2025-09-21.

Conditions:
Ehlers-Danlos syndrome, dermatosparaxis type. Also called: Dermatosparaxis; EDS VIIC; Ehlers-Danlos syndrome, type VII, autosomal recessive. Identifiers: Orphanet 1901, MedGen C2700425, MONDO:0009161, OMIM 225410.

Allele frequency attached by ClinVar (database versions not stated): TOPMed 0.00003.
gnomAD v4.1: 64 of 1,613,294 alleles (0.004%); highest among the groups gnomAD compares: African/African-American, 0.0053%; 1 homozygote.

Submissions (3):

Labcorp Genetics (formerly Invitae), Labcorp
Classification: Likely benign for Ehlers-Danlos syndrome, dermatosparaxis type. Last evaluated: 2025-09-21. Review status: criteria provided, single submitter. Criteria: Invitae Variant Classification Sherloc (09022015). Collection method: clinical testing. Allele origin: germline.

Women's Health and Genetics/Laboratory Corporation of America, LabCorp
Classification: Uncertain significance. Last evaluated: 2024-12-09. Review status: criteria provided, single submitter. Criteria: LabCorp Variant Classification Summary - May 2015. Collection method: clinical testing. Allele origin: germline.
Comment: Variant summary: ADAMTS2 c.1977C>T alters a non-conserved nucleotide resulting in a synonymous change. Several computational tools predict a significant impact on normal splicing: Four predict the variant creates a cryptic 5' donor site. However, these predictions have yet to be confirmed by functional studies. The variant allele was found at a frequency of 2.8e-05 in 251276 control chromosomes. The available data on variant occurrences in the general population are insufficient to allow any conclusion about variant significance. To our knowledge, no occurrence of c.1977C>T in individuals affected with Ehlers-Danlos syndrome, dermatosparaxis type and no experimental evidence demonstrating its impact on protein function have been reported. ClinVar contains an entry for this variant (Variation ID: 968385). Based on the evidence outlined above, the variant was classified as uncertain significance.

Natera, Inc.
Classification: Uncertain significance for Ehlers-Danlos syndrome type VIIC. Last evaluated: 2020-02-10. Review status: no assertion criteria provided. Collection method: clinical testing. Allele origin: germline. Not counted in ClinVar's aggregate classification.

NM_014244.5(ADAMTS2):c.1977C>T (p.Cys659=)

Gene: ADAMTS2 (ADAM metallopeptidase with thrombospondin type 1 motif 2; minus strand). Cytogenetic location: 5q35.3.
Variant type: single nucleotide variant.
Coding change: c.1977C>T on transcript NM_014244.5 (MANE Select); coding-DNA position 1977, C replaced by T.
Protein change: p.Cys659=; no amino-acid change (cysteine 659 retained).
Molecular consequence: synonymous variant.
Genome position (GRCh38, 1-based): chr5:179,136,017, G>A on the plus strand (C>T on the coding strand, the complement: ADAMTS2 is on the minus strand). VCF-style: chr5-179136017-G-A. GRCh37 (hg19) VCF-style: chr5-178563018-G-A.
Identifiers: ClinVar variation 968385 (VCV000968385.10), dbSNP rs758599662, ClinGen allele CA3595721.
Genomic context (GRCh38, chr5:179,136,017, plus strand): 5'-GCGCGTCCCGTCATGCACCATGCGCTTCATGGACACCACCTCCCCGGTCTCCCTGGACTC[G>A]CAGTACAGGTGGCATCTCTCCTTGGCTGGAAGGGAAGCAGCTGGGGGTCTGCAAGGAGCC-3'
Protein context (NP_055059.2, residues 649-669): RDAKERCHLY[Cys659=]ESRETGEVVS